The following is an entry in ClinVar:

ClinVar aggregate classification (germline): Uncertain significance. Review status: criteria provided, multiple submitters, no conflicts (2 of 4 stars). 2 submissions from 2 submitters: Uncertain significance (2). Last evaluated 2024-03-13.

Conditions:
Arrhythmogenic right ventricular dysplasia 11. Also called: ARRHYTHMOGENIC RIGHT VENTRICULAR DYSPLASIA, FAMILIAL, 11; Arrhythmogenic Right Ventricular Dysplasia/Cardiomyopathy11; Arrhythmogenic right ventricular dysplasia 11 with mild palmoplantar keratoderma and woolly hair. Identifiers: MedGen C1864850, MONDO:0012506, OMIM 610476.
Familial isolated arrhythmogenic right ventricular dysplasia. Identifiers: Orphanet 217656, MedGen C4274968, MONDO:0016342.

Submissions (2):

Labcorp Genetics (formerly Invitae), Labcorp
Classification: Uncertain significance for Arrhythmogenic right ventricular dysplasia 11. Last evaluated: 2024-03-13. Review status: criteria provided, single submitter. Criteria: Invitae Variant Classification Sherloc (09022015). Collection method: clinical testing. Allele origin: germline.
Comment: This sequence change replaces proline, which is neutral and non-polar, with leucine, which is neutral and non-polar, at codon 607 of the DSC2 protein (p.Pro607Leu). This variant is not present in population databases (gnomAD no frequency). This variant has not been reported in the literature in individuals affected with DSC2-related conditions. Advanced modeling of protein sequence and biophysical properties (such as structural, functional, and spatial information, amino acid conservation, physicochemical variation, residue mobility, and thermodynamic stability) performed at Invitae indicates that this missense variant is expected to disrupt DSC2 protein function with a positive predictive value of 80%. In summary, the available evidence is currently insufficient to determine the role of this variant in disease. Therefore, it has been classified as a Variant of Uncertain Significance.

All of Us Research Program, National Institutes of Health
Classification: Uncertain significance for Familial isolated arrhythmogenic right ventricular dysplasia. Last evaluated: 2024-02-05. Review status: criteria provided, single submitter. Criteria: ACMG Guidelines, 2015. Collection method: clinical testing. Allele origin: germline. Inheritance: Autosomal dominant inheritance. Observed: 1 variant allele, 1 heterozygote.
Comment: This missense variant replaces proline with leucine at codon 607 of the DSC2 protein. Computational prediction suggests that this variant may not impact protein structure and function (internally defined REVEL score threshold <= 0.5, PMID: 27666373). To our knowledge, functional studies have not been reported for this variant. This variant has not been reported in individuals affected with cardiovascular disorders in the literature. This variant has not been identified in the general population by the Genome Aggregation Database (gnomAD). The available evidence is insufficient to determine the role of this variant in disease conclusively. Therefore, this variant is classified as a Variant of Uncertain Significance.

This study involves interpretation of variants in research participants for the purpose of population health screening. Participant phenotype was not available at the time of variant classification. Additional details can be found in publication PMID: 35346344, PMCID: PMC8962531

NM_024422.6(DSC2):c.1820C>T (p.Pro607Leu)

Gene: DSC2 (desmocollin 2; minus strand). Cytogenetic location: 18q12.1.
Variant type: single nucleotide variant.
Coding change: c.1820C>T on transcript NM_024422.6 (MANE Select); coding-DNA position 1820, C replaced by T.
Protein change: p.Pro607Leu; replaces proline 607 with leucine.
Molecular consequence: missense variant.
Genome position (GRCh38, 1-based): chr18:31,074,751, G>A on the plus strand (C>T on the coding strand, the complement: DSC2 is on the minus strand). VCF-style: chr18-31074751-G-A. GRCh37 (hg19) VCF-style: chr18-28654717-G-A.
Other names: c.1391C>T, p.Pro464Leu (NM_001406506.1, NM_001406507.1); c.1820C>T, p.Pro607Leu (NM_004949.5); short protein forms P464L, P607L.
Identifiers: ClinVar variation 3075460 (VCV003075460.3), dbSNP rs2510942738, ClinGen allele CA402113941.